The following is an entry in ClinVar:

ClinVar aggregate classification (germline): Uncertain significance (1 of 4 stars; one submission).

Conditions:
Inborn genetic diseases. Identifiers: MedGen C0950123, MeSH D030342.

Allele frequency attached by ClinVar (database versions not stated): gnomAD exomes below 0.00001.
gnomAD v4.1: 1 of 1,613,860 alleles (0.000062%); highest among the groups gnomAD compares: East Asian, 0.0022%; no homozygotes.

Submission:

Ambry Genetics
Classification: Uncertain significance for Inborn genetic diseases. Last evaluated: 2022-02-06. Review status: criteria provided, single submitter. Criteria: Ambry Variant Classification Scheme 2023. Collection method: clinical testing. Allele origin: germline.
Comment: The p.T717A variant (also known as c.2149A>G), located in coding exon 10 of the ATR gene, results from an A to G substitution at nucleotide position 2149. The threonine at codon 717 is replaced by alanine, an amino acid with similar properties. This amino acid position is conserved. In addition, this alteration is predicted to be tolerated by in silico analysis. Since supporting evidence is limited at this time, the clinical significance of this alteration remains unclear.

NM_001184.4(ATR):c.2149A>G (p.Thr717Ala)

Gene: ATR (ATR checkpoint kinase; minus strand). Cytogenetic location: 3q23.
Variant type: single nucleotide variant.
Coding change: c.2149A>G on transcript NM_001184.4 (MANE Select); coding-DNA position 2149, A replaced by G.
Protein change: p.Thr717Ala; replaces threonine 717 with alanine.
Molecular consequence: missense variant.
Genome position (GRCh38, 1-based): chr3:142,556,069, T>C on the plus strand (A>G on the coding strand, the complement: ATR is on the minus strand). VCF-style: chr3-142556069-T-C. GRCh37 (hg19) VCF-style: chr3-142274911-T-C.
Other names: c.1957A>G, p.Thr653Ala (NM_001354579.2); short protein forms T653A, T717A.
Identifiers: ClinVar variation 1786687 (VCV001786687.2), dbSNP rs1249892072, ClinGen allele CA354818888.